The following is an entry in ClinVar:

NM_000059.4(BRCA2):c.4780A>G (p.Met1594Val)

Gene: BRCA2 (BRCA2 DNA repair associated; plus strand). Cytogenetic location: 13q13.1.
Variant type: single nucleotide variant.
Coding change: c.4780A>G on transcript NM_000059.4 (MANE Select); coding-DNA position 4780, A replaced by G.
Protein change: p.Met1594Val; replaces methionine 1594 with valine.
Molecular consequence: missense variant.
Genome position (GRCh38, 1-based): chr13:32,339,135, A>G. VCF-style: chr13-32339135-A-G. GRCh37 (hg19) VCF-style: chr13-32913272-A-G.
Other names: short protein forms M1594V.
Identifiers: ClinVar variation 1511584 (VCV001511584.9), dbSNP rs2137510137, ClinGen allele CA387783201.
Genomic context (GRCh38, chr13:32,339,135, plus strand): 5'-AAAGACCTTGAATTAGCATGTGAGACCATTGAGATCACAGCTGCCCCAAAGTGTAAAGAA[A>G]TGCAGAATTCTCTCAATAATGATAAAAACCTTGTTTCTATTGAGACTGTGGTGCCACCTA-3'
Protein context (NP_000050.3, residues 1584-1604): EITAAPKCKE[Met1594Val]QNSLNNDKNL

ClinVar aggregate classification (germline): Conflicting classifications of pathogenicity. Review status: criteria provided, conflicting classifications (1 of 4 stars). 2 submissions from 2 submitters: Uncertain significance (1); Likely benign (1). Last evaluated 2023-03-23.

Conditions:
Hereditary cancer-predisposing syndrome. Also called: Hereditary neoplastic syndrome; Neoplastic Syndromes, Hereditary; Tumor predisposition; Hereditary Cancer Syndrome. Identifiers: Orphanet 140162, MedGen C0027672, MeSH D009386, MONDO:0015356.
Hereditary breast ovarian cancer syndrome. Also called: BRCA1- and BRCA2-Associated Hereditary Breast and Ovarian Cancer; Hereditary breast and ovarian cancer; Hereditary breast and/or ovarian cancer syndrome; Hereditary breast and ovarian cancer syndrome (HBOC); Breast and ovarian cancer; Hereditary breast and ovarian cancer syndrome. Identifiers: Orphanet 145, MedGen C0677776, MeSH D061325, MONDO:0003582. Disease mechanism: loss of function.

Submissions (2):

University of Washington Department of Laboratory Medicine, University of Washington
Classification: Likely benign for Hereditary cancer-predisposing syndrome. Last evaluated: 2023-03-23. Review status: criteria provided, single submitter. Criteria: Dines et al. (Genet Med. 2020). Collection method: curation. Allele origin: germline.
Comment: Missense variant in a coldspot region where missense variants are very unlikely to be pathogenic (PMID:31911673).

BRCA2 exon 11 coldspot. Reclassification based on statistical prior probability.

Labcorp Genetics (formerly Invitae), Labcorp
Classification: Uncertain significance for Hereditary breast ovarian cancer syndrome. Last evaluated: 2021-06-17. Review status: criteria provided, single submitter. Criteria: Invitae Variant Classification Sherloc (09022015). Collection method: clinical testing. Allele origin: germline.
Comment: In summary, the available evidence is currently insufficient to determine the role of this variant in disease. Therefore, it has been classified as a Variant of Uncertain Significance. Advanced modeling of protein sequence and biophysical properties (such as structural, functional, and spatial information, amino acid conservation, physicochemical variation, residue mobility, and thermodynamic stability) performed at Invitae indicates that this missense variant is not expected to disrupt BRCA2 protein function. This variant has been observed in individual(s) with breast cancer (PMID: 30287823). This variant is not present in population databases (ExAC no frequency). This sequence change replaces methionine with valine at codon 1594 of the BRCA2 protein (p.Met1594Val). The methionine residue is weakly conserved and there is a small physicochemical difference between methionine and valine.

Literature cited by the submitters: PubMed 30287823 (cited by Labcorp Genetics (formerly Invitae), Labcorp).